The following is an entry in ClinVar:

NM_002348.4(LY9):c.1804A>G (p.Met602Val)

Gene: LY9 (lymphocyte antigen 9; plus strand). Cytogenetic location: 1q23.3.
Variant type: single nucleotide variant.
Coding change: c.1804A>G on transcript NM_002348.4 (MANE Select); coding-DNA position 1804, A replaced by G.
Protein change: p.Met602Val; replaces methionine 602 with valine.
Molecular consequence: missense variant.
Genome position (GRCh38, 1-based): chr1:160,823,770, A>G. VCF-style: chr1-160823770-A-G. GRCh37 (hg19) VCF-style: chr1-160793560-A-G.
Other names: c.1762A>G, p.Met588Val (NM_001261456.2); c.1534A>G, p.Met512Val (NM_001261457.2); short protein forms M512V, M588V, M602V.
Identifiers: ClinVar variation 1242630 (VCV001242630.3), dbSNP rs509749, ClinGen allele CA1202003.

ClinVar aggregate classification (germline): Benign. Review status: criteria provided, multiple submitters, no conflicts (2 of 4 stars). 2 submissions from 2 submitters: Benign (2). Last evaluated 2020-02-18.

Allele frequency attached by ClinVar (database versions not stated): ExAC 0.53885; gnomAD exomes 0.54078 and 0.46374; gnomAD 0.55088 and 0.55479; ESP Exome Variant Server 0.52791; TOPMed 0.57247; 1000 Genomes Project 0.66014; 1000 Genomes Project 30x 0.66661.
gnomAD v4.1: 763,520 of 1,612,540 alleles (47%); highest among the groups gnomAD compares: African/African-American, 75%; 190,105 homozygotes.

Submissions (2):

GeneDx
Classification: Benign. Last evaluated: 2020-02-18. Review status: criteria provided, single submitter. Criteria: GeneDx Variant Classification Process June 2021. Collection method: clinical testing. Allele origin: germline. Affected: yes.
Comment: This variant is associated with the following publications: (PMID: 26221972)

Breakthrough Genomics
Classification: Benign. Review status: criteria provided, single submitter. Criteria: ACMG Guidelines, 2015. Collection method: not provided. Allele origin: germline. Inheritance: Unknown mechanism. Affected: yes.